The following is an entry in ClinVar:

NM_002485.5(NBN):c.1927C>T (p.Leu643Phe)

Gene: NBN (nibrin; minus strand). Cytogenetic location: 8q21.3.
Variant type: single nucleotide variant.
Coding change: c.1927C>T on transcript NM_002485.5 (MANE Select); coding-DNA position 1927, C replaced by T.
Protein change: p.Leu643Phe; replaces leucine 643 with phenylalanine.
Molecular consequence: missense variant.
Genome position (GRCh38, 1-based): chr8:89,946,283, G>A on the plus strand (C>T on the coding strand, the complement: NBN is on the minus strand). VCF-style: chr8-89946283-G-A. GRCh37 (hg19) VCF-style: chr8-90958511-G-A.
Other names: c.1681C>T, p.Leu561Phe (NM_001024688.3); short protein forms L561F, L643F.
Identifiers: ClinVar variation 2200827 (VCV002200827.4), dbSNP rs1586040775, ClinGen allele CA371676785.

ClinVar aggregate classification (germline): Uncertain significance (1 of 4 stars; one submission).

Conditions:
Microcephaly, normal intelligence and immunodeficiency (NBS). Also called: Ataxia telangiectasia variant V1; SEEMANOVA SYNDROME II; IMMUNODEFICIENCY, MICROCEPHALY, AND CHROMOSOMAL INSTABILITY; Nijmegen breakage syndrome; Microcephaly with normal intelligence immunodeficiency and lymphoreticular malignancies; Nonsyndromal microcephaly autosomal recessive with normal intelligence. Identifiers: Orphanet 647, MedGen C0398791, MONDO:0009623, OMIM 251260.

Submission:

Labcorp Genetics (formerly Invitae), Labcorp
Classification: Uncertain significance for Microcephaly, normal intelligence and immunodeficiency. Last evaluated: 2022-06-25. Review status: criteria provided, single submitter. Criteria: Invitae Variant Classification Sherloc (09022015). Collection method: clinical testing. Allele origin: germline.
Comment: In summary, the available evidence is currently insufficient to determine the role of this variant in disease. Therefore, it has been classified as a Variant of Uncertain Significance. Algorithms developed to predict the effect of sequence changes on RNA splicing suggest that this variant may create or strengthen a splice site. Algorithms developed to predict the effect of missense changes on protein structure and function (SIFT, PolyPhen-2, Align-GVGD) all suggest that this variant is likely to be tolerated. This variant has not been reported in the literature in individuals affected with NBN-related conditions. This variant is not present in population databases (gnomAD no frequency). This sequence change replaces leucine, which is neutral and non-polar, with phenylalanine, which is neutral and non-polar, at codon 643 of the NBN protein (p.Leu643Phe).